The following is an entry in ClinVar:

ClinVar aggregate classification (germline): Uncertain significance (1 of 4 stars; one submission).

Submission:

Ambry Genetics
Classification: Uncertain significance. Last evaluated: 2026-06-28. Review status: criteria provided, single submitter. Criteria: Ambry Variant Classification Scheme 2023. Collection method: clinical testing. Allele origin: germline.
Comment: The p.P693S variant (also known as c.2077C>T), located in coding exon 3 of the CDK12 gene, results from a C to T substitution at nucleotide position 2077. The proline at codon 693 is replaced by serine, an amino acid with similar properties. This amino acid position is conserved. In addition, this alteration is predicted to be tolerated by in silico analysis. Based on the available evidence, the clinical significance of this variant remains unclear.

NM_016507.4(CDK12):c.2077C>T (p.Pro693Ser)

Gene: CDK12 (cyclin dependent kinase 12; plus strand). Cytogenetic location: 17q12.
Variant type: single nucleotide variant.
Coding change: c.2077C>T on transcript NM_016507.4 (MANE Select); coding-DNA position 2077, C replaced by T.
Protein change: p.Pro693Ser; replaces proline 693 with serine.
Molecular consequence: missense variant.
Genome position (GRCh38, 1-based): chr17:39,490,702, C>T. VCF-style: chr17-39490702-C-T. GRCh37 (hg19) VCF-style: chr17-37646955-C-T.
Other names: c.2077C>T, p.Pro693Ser (NM_015083.4); short protein forms P693S.
Identifiers: ClinVar variation 5034070 (VCV005034070.1).